The following is an entry in ClinVar:

NM_014000.3(VCL):c.2022+2T>C

Gene: VCL (vinculin; plus strand). Cytogenetic location: 10q22.2.
Variant type: single nucleotide variant.
Coding change: c.2022+2T>C on transcript NM_014000.3 (MANE Select); the canonical splice donor site of the intron after coding-DNA position 2022, T replaced by C.
Molecular consequence: splice donor variant.
Genome position (GRCh38, 1-based): chr10:74,101,099, T>C. VCF-style: chr10-74101099-T-C. GRCh37 (hg19) VCF-style: chr10-75860857-T-C.
Other names: c.2022+2T>C (NM_003373.4).
Identifiers: ClinVar variation 5031675 (VCV005031675.1).
Genomic context (GRCh38, chr10:74,101,099, plus strand): 5'-AATCAACAGTGGAAGGCATTCAGGCCTCAGTGAAGACGGCCCGAGAACTCACACCCCAGG[T>C]TGGGTTTTGCTCATTCCTCATACAGTGTTCAGTAAAGAAAGTTAATTACAGAACAGTTTC-3'

ClinVar aggregate classification (germline): Uncertain significance (1 of 4 stars; one submission).

Conditions:
Cardiovascular phenotype. Identifiers: MedGen CN230736.

Submission:

Ambry Genetics
Classification: Uncertain significance for Cardiovascular phenotype. Last evaluated: 2026-08-31. Review status: criteria provided, single submitter. Criteria: Ambry Variant Classification Scheme 2023. Collection method: clinical testing. Allele origin: germline.
Comment: The c.2022+2T>C intronic variant results from a T to C substitution two nucleotides after coding exon 14 in the VCL gene. This nucleotide position is highly conserved in available vertebrate species. In silico splice site analysis predicts that this alteration will weaken the native splice donor site. The evidence for this gene-disease relationship is limited; therefore, the clinical significance of this variant is unclear.